The following is an entry in ClinVar:

ClinVar aggregate classification (germline): Likely benign. Review status: criteria provided, multiple submitters, no conflicts (2 of 4 stars). 9 submissions from 9 submitters: Likely benign (9). Last evaluated 2026-04-01.

Conditions:
Hereditary cancer-predisposing syndrome. Also called: Neoplastic Syndromes, Hereditary; Hereditary neoplastic syndrome; Tumor predisposition; Hereditary Cancer Syndrome. Identifiers: Orphanet 140162, MedGen C0027672, MeSH D009386, MONDO:0015356.
Colorectal cancer, susceptibility to, 12 (CRCS12). Also called: COLORECTAL CANCER, SUSCEPTIBILITY TO, ON CHROMOSOME 12q24. Identifiers: Orphanet 220460, MedGen C3554460, MONDO:0014038, OMIM 615083.
Polymerase proofreading-related adenomatous polyposis. Also called: Polymerase proofreading associated polyposis; Polymerase proofreading–associated polyposis (PPAP). Identifiers: Orphanet 447877, MedGen C5202613, MONDO:0018653.

Allele frequency attached by ClinVar (database versions not stated): ESP Exome Variant Server 0.00015; gnomAD 0.00019; TOPMed 0.00025.
gnomAD v4.1: 180 of 1,603,298 alleles (0.011%); highest among the groups gnomAD compares: Middle Eastern, 0.18%; 1 homozygote.

Submissions (9):

CeGaT Center for Human Genetics Tuebingen
Classification: Likely benign. Last evaluated: 2026-04-01. Review status: criteria provided, single submitter. Criteria: CeGaT Center For Human Genetics Tuebingen Variant Classification Criteria Version 2. Collection method: clinical testing. Allele origin: germline. Affected: yes. Observed: 3 variant alleles.
Comment: POLE: BP4, BP7

Labcorp Genetics (formerly Invitae), Labcorp
Classification: Likely benign. Last evaluated: 2026-01-28. Review status: criteria provided, single submitter. Criteria: Invitae Variant Classification Sherloc (09022015). Collection method: clinical testing. Allele origin: germline.

Center for Genomic Medicine, Rigshospitalet, Copenhagen University Hospital
Classification: Likely benign. Last evaluated: 2025-03-04. Review status: criteria provided, single submitter. Criteria: ACMG Guidelines, 2015. Collection method: clinical testing. Allele origin: germline.

Blueprint Genetics
Classification: Likely benign. Last evaluated: 2024-10-17. Review status: criteria provided, single submitter. Criteria: ACMG Guidelines, 2015. Collection method: clinical testing. Allele origin: germline.

KCCC/NGS Laboratory, Kuwait Cancer Control Center
Classification: Likely benign for Colorectal cancer, susceptibility to, 12. Last evaluated: 2023-07-07. Review status: criteria provided, single submitter. Criteria: ACMG Guidelines, 2015. Collection method: clinical testing. Allele origin: germline. Affected: yes.

Department of Pathology and Laboratory Medicine, Sinai Health System
Classification: Likely benign for Polymerase proofreading-related adenomatous polyposis. Last evaluated: 2023-06-13. Review status: criteria provided, single submitter. Criteria: ACMG Guidelines, 2015. Collection method: clinical testing. Allele origin: germline. Affected: yes.

GeneDx
Classification: Likely benign. Last evaluated: 2021-03-22. Review status: criteria provided, single submitter. Criteria: GeneDx Variant Classification Process June 2021. Collection method: clinical testing. Allele origin: germline. Affected: yes.

Ambry Genetics
Classification: Likely benign for Hereditary cancer-predisposing syndrome. Last evaluated: 2015-07-01. Review status: criteria provided, single submitter. Criteria: Ambry Variant Classification Scheme 2023. Collection method: clinical testing. Allele origin: germline.

Breakthrough Genomics
Classification: Likely benign. Review status: criteria provided, single submitter. Criteria: ACMG Guidelines, 2015. Collection method: not provided. Allele origin: germline. Inheritance: Autosomal recessive inheritance. Affected: yes.

NM_006231.4(POLE):c.6006G>A (p.Ala2002=)

Gene: POLE (DNA polymerase epsilon, catalytic subunit; minus strand). Cytogenetic location: 12q24.33.
Variant type: single nucleotide variant.
Coding change: c.6006G>A on transcript NM_006231.4 (MANE Select); coding-DNA position 6006, G replaced by A.
Protein change: p.Ala2002=; no amino-acid change (alanine 2002 retained).
Molecular consequence: synonymous variant.
Genome position (GRCh38, 1-based): chr12:132,632,794, C>T on the plus strand (G>A on the coding strand, the complement: POLE is on the minus strand). VCF-style: chr12-132632794-C-T. GRCh37 (hg19) VCF-style: chr12-133209380-C-T.
Identifiers: ClinVar variation 384468 (VCV000384468.46), dbSNP rs146902214, ClinGen allele CA6892311.